The following is an entry in ClinVar:

ClinVar aggregate classification (germline): Likely pathogenic (1 of 4 stars; one submission).

Conditions:
Allan-Herndon-Dudley syndrome (AHDS). Also called: MENTAL RETARDATION AND MUSCULAR ATROPHY; T3 RESISTANCE; TRIIODOTHYRONINE RESISTANCE; Passos-Bueno syndrome; ALLAN-HERNDON SYNDROME. Identifiers: Orphanet 59, MedGen C0795889, MONDO:0010354, OMIM 300523.

Submission:

Variantyx, Inc.
Classification: Likely pathogenic for Allan-Herndon-Dudley syndrome. Last evaluated: 2025-03-04. Review status: criteria provided, single submitter. Criteria: Variantyx Assertion Criteria 2022. Collection method: clinical testing. Allele origin: maternal. Inheritance: X-linked inheritance.
Comment: This is a frameshift variant in the SLC16A2 gene (OMIM: 300095). Pathogenic variants in this gene have been associated with X-linked Allan-Herndon-Dudley syndrome. This variant introduces a premature termination codon in exon 3 out of 6 and is expected to result in loss of function, which is a known disease mechanism for SLC16A2 in this disorder (PMID: 15488219, 15889350) (PVS1). This variant is absent from control populations (PM2). Based on the current evidence, this variant is classified as likely pathogenic for X-linked Allan-Herndon-Dudley syndrome.

Literature cited by the submitters: PubMed 15488219; PubMed 15889350.

NM_006517.5(SLC16A2):c.710del (p.Ala237fs)

Gene: SLC16A2 (solute carrier family 16 member 2; plus strand). Cytogenetic location: Xq13.2.
Variant type: Deletion.
Coding change: c.710del on transcript NM_006517.5 (MANE Select); coding-DNA position 710, one base deleted (C; older notation c.710delC).
Protein change: p.Ala237fs; shifts the reading frame from alanine 237.
Molecular consequence: frameshift variant.
Genome position (GRCh38, 1-based): chrX:74,524,493, C deleted. VCF-style (leftmost placement, unchanged base first): chrX-74524492-GC-G. GRCh37 (hg19) VCF-style: chrX-73744327-GC-G.
Other names: short protein forms A237fs.
Identifiers: ClinVar variation 4795926 (VCV004795926.1).